The following is an entry in ClinVar:

ClinVar aggregate classification (germline): Uncertain significance (1 of 4 stars; one submission).

Submission:

GeneDx
Classification: Uncertain significance. Last evaluated: 2025-01-13. Review status: criteria provided, single submitter. Criteria: GeneDx Variant Classification Process June 2021. Collection method: clinical testing. Allele origin: germline. Affected: yes.
Comment: Not observed at significant frequency in large population cohorts (gnomAD); In silico analysis supports that this missense variant has a deleterious effect on protein structure/function; Has not been previously published as pathogenic or benign to our knowledge

NM_000069.3(CACNA1S):c.1183A>C (p.Thr395Pro)

Gene: CACNA1S (calcium voltage-gated channel subunit alpha1 S; minus strand). Cytogenetic location: 1q32.1.
Variant type: single nucleotide variant.
Coding change: c.1183A>C on transcript NM_000069.3 (MANE Select); coding-DNA position 1183, A replaced by C.
Protein change: p.Thr395Pro; replaces threonine 395 with proline.
Molecular consequence: missense variant.
Genome position (GRCh38, 1-based): chr1:201,084,999, T>G on the plus strand (A>C on the coding strand, the complement: CACNA1S is on the minus strand). VCF-style: chr1-201084999-T-G. GRCh37 (hg19) VCF-style: chr1-201054127-T-G.
Other names: short protein forms T395P.
Identifiers: ClinVar variation 4070657 (VCV004070657.1).